The following is an entry in ClinVar:

ClinVar aggregate classification (germline): Uncertain significance (1 of 4 stars; one submission).

Conditions:
Inborn genetic diseases. Identifiers: MedGen C0950123, MeSH D030342.

Allele frequency attached by ClinVar (database versions not stated): gnomAD exomes below 0.00001.

Submission:

Ambry Genetics
Classification: Uncertain significance for Inborn genetic diseases. Last evaluated: 2023-02-28. Review status: criteria provided, single submitter. Criteria: Ambry Variant Classification Scheme 2023. Collection method: clinical testing. Allele origin: germline.
Comment: The p.T297A variant (also known as c.889A>G), located in coding exon 8 of the RAD51 gene, results from an A to G substitution at nucleotide position 889. The threonine at codon 297 is replaced by alanine, an amino acid with similar properties. This amino acid position is conserved. In addition, this alteration is predicted to be deleterious by in silico analysis. Since supporting evidence is limited at this time, the clinical significance of this alteration remains unclear.

NM_002875.5(RAD51):c.889A>G (p.Thr297Ala)

Gene: RAD51 (RAD51 recombinase; plus strand). Cytogenetic location: 15q15.1.
Variant type: single nucleotide variant.
Coding change: c.889A>G on transcript NM_002875.5 (MANE Select); coding-DNA position 889, A replaced by G.
Protein change: p.Thr297Ala; replaces threonine 297 with alanine.
Molecular consequence: missense variant. On other transcripts: intron variant (1).
Genome position (GRCh38, 1-based): chr15:40,729,967, A>G. VCF-style: chr15-40729967-A-G. GRCh37 (hg19) VCF-style: chr15-41022165-A-G.
Other names: c.892A>G, p.Thr298Ala (NM_001164269.2, NM_133487.4); c.774+333A>G (NM_001164270.2); short protein forms T298A, T297A.
Identifiers: ClinVar variation 2450863 (VCV002450863.2), dbSNP rs2504532168, ClinGen allele CA391760285.